The following is an entry in ClinVar:

ClinVar aggregate classification (germline): Uncertain significance. Review status: criteria provided, multiple submitters, no conflicts (2 of 4 stars). 2 submissions from 2 submitters: Uncertain significance (2). Last evaluated 2026-05-21.

Conditions:
Inborn genetic diseases. Identifiers: MedGen C0950123, MeSH D030342.

Allele frequency attached by ClinVar (database versions not stated): gnomAD 0.00001; TOPMed 0.00002; gnomAD exomes 0.00003.
gnomAD v4.1: 33 of 1,331,550 alleles (0.0025%); highest among the groups gnomAD compares: Admixed American, 0.0041%; no homozygotes.

Submissions (2):

GeneDx
Classification: Uncertain significance. Last evaluated: 2026-05-21. Review status: criteria provided, single submitter. Criteria: GeneDx Variant Classification Process June 2021. Collection method: clinical testing. Allele origin: germline.
Comment: Not observed at significant frequency in large population cohorts (gnomAD); In silico analysis indicates that this missense variant does not alter protein structure/function; Has not been previously published as pathogenic or benign to our knowledge

Ambry Genetics
Classification: Uncertain significance for Inborn genetic diseases. Last evaluated: 2025-08-21. Review status: criteria provided, single submitter. Criteria: Ambry Variant Classification Scheme 2023. Collection method: clinical testing. Allele origin: germline.

NM_147196.3(TMIE):c.31T>C (p.Cys11Arg)

Gene: TMIE (transmembrane inner ear; plus strand). Cytogenetic location: 3p21.31.
Variant type: single nucleotide variant.
Coding change: c.31T>C on transcript NM_147196.3 (MANE Select); coding-DNA position 31, T replaced by C.
Protein change: p.Cys11Arg; replaces cysteine 11 with arginine.
Molecular consequence: missense variant. On other transcripts: intron variant (2).
Genome position (GRCh38, 1-based): chr3:46,701,518, T>C. VCF-style: chr3-46701518-T-C. GRCh37 (hg19) VCF-style: chr3-46743008-T-C.
Other names: c.-66-4272T>C (NM_001370524.1, NM_001370525.1); short protein forms C11R.
Identifiers: ClinVar variation 2381407 (VCV002381407.5), dbSNP rs920929831, ClinGen allele CA73727385.